The following is an entry in ClinVar:

NM_000257.4(MYH7):c.3752C>A (p.Thr1251Asn)

Gene: MYH7 (myosin heavy chain 7; minus strand). Cytogenetic location: 14q11.2.
Variant type: single nucleotide variant.
Coding change: c.3752C>A on transcript NM_000257.4 (MANE Select); coding-DNA position 3752, C replaced by A.
Protein change: p.Thr1251Asn; replaces threonine 1251 with asparagine.
Molecular consequence: missense variant.
Genome position (GRCh38, 1-based): chr14:23,419,584, G>T on the plus strand (C>A on the coding strand, the complement: MYH7 is on the minus strand). VCF-style: chr14-23419584-G-T. GRCh37 (hg19) VCF-style: chr14-23888793-G-T.
Other names: c.3752C>A, p.Thr1251Asn (NM_001407004.1); short protein forms T1251N.
Identifiers: ClinVar variation 3636015 (VCV003636015.2).

ClinVar aggregate classification (germline): Uncertain significance (1 of 4 stars; one submission).

Conditions:
Hypertrophic cardiomyopathy. Also called: HYPERTROPHIC MYOCARDIOPATHY. Identifiers: Orphanet 217569, MedGen C0007194, MeSH D002312, MONDO:0005045, HP:0001639.

Submission:

Labcorp Genetics (formerly Invitae), Labcorp
Classification: Uncertain significance for Hypertrophic cardiomyopathy. Last evaluated: 2024-07-27. Review status: criteria provided, single submitter. Criteria: Invitae Variant Classification Sherloc (09022015). Collection method: clinical testing. Allele origin: germline.
Comment: This sequence change replaces threonine, which is neutral and polar, with asparagine, which is neutral and polar, at codon 1251 of the MYH7 protein (p.Thr1251Asn). This variant is not present in population databases (gnomAD no frequency). This missense change has been observed in individual(s) with clinical features of MYH7-related conditions (Invitae). Advanced modeling of protein sequence and biophysical properties (such as structural, functional, and spatial information, amino acid conservation, physicochemical variation, residue mobility, and thermodynamic stability) has been performed at Invitae for this missense variant, however the output from this modeling did not meet the statistical confidence thresholds required to predict the impact of this variant on MYH7 protein function. In summary, the available evidence is currently insufficient to determine the role of this variant in disease. Therefore, it has been classified as a Variant of Uncertain Significance.